The following is an entry in ClinVar:

NM_004484.4(GPC3):c.826G>A (p.Gly276Ser)

Gene: GPC3 (glypican 3; minus strand). Cytogenetic location: Xq26.2.
Variant type: single nucleotide variant.
Coding change: c.826G>A on transcript NM_004484.4 (MANE Select); coding-DNA position 826, G replaced by A.
Protein change: p.Gly276Ser; replaces glycine 276 with serine.
Molecular consequence: missense variant.
Genome position (GRCh38, 1-based): chrX:133,753,688, C>T on the plus strand (G>A on the coding strand, the complement: GPC3 is on the minus strand). VCF-style: chrX-133753688-C-T. GRCh37 (hg19) VCF-style: chrX-132887715-C-T.
Other names: c.826G>A, p.Gly276Ser (NM_001164617.2); c.778G>A, p.Gly260Ser (NM_001164618.2); c.664G>A, p.Gly222Ser (NM_001164619.2); short protein forms G276S, G222S, G260S.
Identifiers: ClinVar variation 95100 (VCV000095100.37), dbSNP rs141100113, ClinGen allele CA159986.

ClinVar aggregate classification (germline): Conflicting classifications of pathogenicity. Review status: criteria provided, conflicting classifications (1 of 4 stars). 10 submissions from 10 submitters: Uncertain significance (1); Benign (2); Likely benign (6). 1 of the submissions does not count toward it. Last evaluated 2026-01-05.

Conditions:
Inborn genetic diseases. Identifiers: MedGen C0950123, MeSH D030342.
Hereditary cancer-predisposing syndrome. Also called: Neoplastic Syndromes, Hereditary; Hereditary Cancer Syndrome; Tumor predisposition; Hereditary neoplastic syndrome. Identifiers: Orphanet 140162, MedGen C0027672, MeSH D009386, MONDO:0015356.
Wilms tumor 1 (WT1). Also called: Wilms tumor, somatic. Identifiers: Orphanet 654, MedGen CN033288, MONDO:0008679, OMIM 194070.

Allele frequency attached by ClinVar (database versions not stated): 1000 Genomes Project 0.00053; TOPMed 0.00111; ESP Exome Variant Server 0.00076; 1000 Genomes Project 30x 0.00042; gnomAD 0.00082.
gnomAD v4.1: 194 of 1,209,642 alleles (0.016%); highest among the groups gnomAD compares: African/African-American, 0.27%; 1 homozygote.

Submissions (10):

Labcorp Genetics (formerly Invitae), Labcorp
Classification: Benign for Wilms tumor 1. Last evaluated: 2026-01-05. Review status: criteria provided, single submitter. Criteria: Invitae Variant Classification Sherloc (09022015). Collection method: clinical testing. Allele origin: germline.

CeGaT Center for Human Genetics Tuebingen
Classification: Likely benign. Last evaluated: 2025-08-01. Review status: criteria provided, single submitter. Criteria: CeGaT Center For Human Genetics Tuebingen Variant Classification Criteria Version 2. Collection method: clinical testing. Allele origin: germline. Affected: yes. Observed: 3 variant alleles.
Comment: GPC3: BS2

Mayo Clinic Laboratories, Mayo Clinic
Classification: Likely benign. Last evaluated: 2025-06-20. Review status: criteria provided, single submitter. Criteria: ACMG Guidelines, 2015. Collection method: clinical testing. Allele origin: germline. Observed: 1 variant allele.
Comment: BS1

Blueprint Genetics
Classification: Likely benign. Last evaluated: 2024-02-19. Review status: criteria provided, single submitter. Criteria: ACMG Guidelines, 2015. Collection method: clinical testing. Allele origin: germline.

Sema4
Classification: Benign for Hereditary cancer-predisposing syndrome. Last evaluated: 2022-02-19. Review status: criteria provided, single submitter. Criteria: Sema4 Curation Guidelines. Collection method: curation. Allele origin: germline.

GeneDx
Classification: Likely benign. Last evaluated: 2020-09-25. Review status: criteria provided, single submitter. Criteria: GeneDx Variant Classification Process June 2021. Collection method: clinical testing. Allele origin: germline. Affected: yes.
Comment: This variant is associated with the following publications: (PMID: 24728327)

Ambry Genetics
Classification: Likely benign for Inborn genetic diseases. Last evaluated: 2018-12-07. Review status: criteria provided, single submitter. Criteria: Ambry Variant Classification Scheme 2023. Collection method: clinical testing. Allele origin: germline.

Center for Pediatric Genomic Medicine, Children's Mercy Hospital and Clinics
Classification: Likely benign. Last evaluated: 2017-05-04. Review status: criteria provided, single submitter. Criteria: ACMG Guidelines, 2015. Collection method: clinical testing. Allele origin: germline.

Eurofins Ntd Llc (ga)
Classification: Uncertain significance. Last evaluated: 2013-04-19. Review status: criteria provided, single submitter. Criteria: EGL Classification Definitions 2015. Collection method: clinical testing. Allele origin: germline. Observed: 1 variant allele, 1 hemizygote.

ITMI
No classification provided. Condition: AllHighlyPenetrant. Last evaluated: 2013-09-19. Review status: no classification provided. Collection method: reference population. Allele origin: germline. Not counted in ClinVar's aggregate classification.
Comment: Please see associated publication for description of ethnicities

Literature cited by the submitters: PubMed 36315513 (cited by Mayo Clinic Laboratories, Mayo Clinic); PubMed 24728327 (cited by ITMI).